The following is an entry in ClinVar:

ClinVar aggregate classification (germline): Conflicting classifications of pathogenicity. Review status: criteria provided, conflicting classifications (1 of 4 stars). 6 submissions from 6 submitters: Uncertain significance (3); Benign (1); Likely benign (2). Last evaluated 2025-09-22.

Conditions:
Inborn genetic diseases. Identifiers: MedGen C0950123, MeSH D030342.
Macrothrombocytopenia and granulocyte inclusions with or without nephritis or sensorineural hearing loss (MATINS). Also called: ALPORT SYNDROME WITH MACROTHROMBOCYTOPENIA; SEBASTIAN PLATELET SYNDROME; MACROTHROMBOCYTOPENIA WITH DISPERSED LEUKOCYTIC INCLUSIONS; MACROTHROMBOCYTOPENIA, NEPHRITIS, AND DEAFNESS; MACROTHROMBOCYTOPENIA, NEPHRITIS, DEAFNESS, AND LEUKOCYTE INCLUSIONS; Fechtner syndrome. Identifiers: Orphanet 182050, MedGen C5200934, MONDO:0015912, OMIM 155100.
Autosomal dominant nonsyndromic hearing loss 17. Also called: Deafness, autosomal dominant 17; Autosomal dominant nonsyndromic deafness 17. Identifiers: Orphanet 90635, MedGen C1863659, MONDO:0011350, OMIM 603622.
Glomerulonephritis. Also called: Glomerulonephritis (disease). Identifiers: MedGen C0017658, MONDO:0002462, HP:0000099.

Allele frequency attached by ClinVar (database versions not stated): gnomAD exomes 0.00001 and 0.00002; ExAC 0.00006; TOPMed 0.00012; gnomAD 0.00013; ESP Exome Variant Server 0.00015; 1000 Genomes Project 0.00040; 1000 Genomes Project 30x 0.00047.
gnomAD v4.1: 33 of 1,611,244 alleles (0.002%); highest among the groups gnomAD compares: African/African-American, 0.043%; no homozygotes.

Submissions (6):

Ambry Genetics
Classification: Likely benign for Inborn genetic diseases. Last evaluated: 2025-09-22. Review status: criteria provided, single submitter. Criteria: Ambry Variant Classification Scheme 2023. Collection method: clinical testing. Allele origin: germline.

Labcorp Genetics (formerly Invitae), Labcorp
Classification: Benign. Last evaluated: 2024-12-24. Review status: criteria provided, single submitter. Criteria: Invitae Variant Classification Sherloc (09022015). Collection method: clinical testing. Allele origin: germline.

Fulgent Genetics
Classification: Likely benign for Macrothrombocytopenia and granulocyte inclusions with or without nephritis or sensorineural hearing loss; Autosomal dominant nonsyndromic hearing loss 17. Last evaluated: 2024-03-07. Review status: criteria provided, single submitter. Criteria: ACMG Guidelines, 2015. Collection method: clinical testing. Allele origin: germline.

GeneDx
Classification: Uncertain significance. Last evaluated: 2023-03-02. Review status: criteria provided, single submitter. Criteria: GeneDx Variant Classification Process June 2021. Collection method: clinical testing. Allele origin: germline. Affected: yes.
Comment: In silico analysis supports that this missense variant does not alter protein structure/function; Has not been previously published as pathogenic or benign to our knowledge

UNC Molecular Genetics  Laboratory, University of North Carolina at Chapel Hill
Classification: Uncertain significance for Glomerulonephritis. Last evaluated: 2020-04-16. Review status: criteria provided, single submitter. Criteria: ACMG Guidelines, 2015. Collection method: clinical testing. Allele origin: germline. Affected: yes. Observed: 1 heterozygote.

Eurofins Ntd Llc (ga)
Classification: Uncertain significance. Last evaluated: 2017-02-28. Review status: criteria provided, single submitter. Criteria: EGL Classification Definitions 2015. Collection method: clinical testing. Allele origin: germline. Observed: 1 variant allele, 1 heterozygote.

NM_002473.6(MYH9):c.5185G>T (p.Ala1729Ser)

Gene: MYH9 (myosin heavy chain 9; minus strand). Cytogenetic location: 22q12.3.
Variant type: single nucleotide variant.
Coding change: c.5185G>T on transcript NM_002473.6 (MANE Select); coding-DNA position 5185, G replaced by T.
Protein change: p.Ala1729Ser; replaces alanine 1729 with serine.
Molecular consequence: missense variant.
Genome position (GRCh38, 1-based): chr22:36,285,747, C>A on the plus strand (G>T on the coding strand, the complement: MYH9 is on the minus strand). VCF-style: chr22-36285747-C-A. GRCh37 (hg19) VCF-style: chr22-36681793-C-A.
Other names: short protein forms A1729S.
Identifiers: ClinVar variation 499790 (VCV000499790.16), dbSNP rs140662138, ClinGen allele CA10209125.